The following is an entry in ClinVar:

NM_001851.6(COL9A1):c.1225C>A (p.Pro409Thr)

Gene: COL9A1 (collagen type IX alpha 1 chain; minus strand). Cytogenetic location: 6q13.
Variant type: single nucleotide variant.
Coding change: c.1225C>A on transcript NM_001851.6 (MANE Select); coding-DNA position 1225, C replaced by A.
Protein change: p.Pro409Thr; replaces proline 409 with threonine.
Molecular consequence: missense variant. On other transcripts: non-coding transcript variant (1).
Genome position (GRCh38, 1-based): chr6:70,269,638, G>T on the plus strand (C>A on the coding strand, the complement: COL9A1 is on the minus strand). VCF-style: chr6-70269638-G-T. GRCh37 (hg19) VCF-style: chr6-70979341-G-T.
Other names: c.496C>A, p.Pro166Thr (NM_001377289.1, NM_001377290.1, NM_078485.4); short protein forms P166T, P409T.
Identifiers: ClinVar variation 1321133 (VCV001321133.3), dbSNP rs924516350, ClinGen allele CA364680940.

ClinVar aggregate classification (germline): Uncertain significance (1 of 4 stars; one submission).

Submission:

GeneDx
Classification: Uncertain significance. Last evaluated: 2023-01-17. Review status: criteria provided, single submitter. Criteria: GeneDx Variant Classification Process June 2021. Collection method: clinical testing. Allele origin: germline. Affected: yes.
Comment: Has not been previously published as pathogenic or benign to our knowledge; Not observed at significant frequency in large population cohorts (gnomAD); In silico analysis supports that this missense variant does not alter protein structure/function